The following is an entry in ClinVar:

ClinVar aggregate classification (germline): Uncertain significance (1 of 4 stars; one submission).

Conditions:
Inborn genetic diseases. Identifiers: MedGen C0950123, MeSH D030342.

gnomAD v4.1: 11 of 1,613,988 alleles (0.00068%); highest among the groups gnomAD compares: South Asian, 0.011%; no homozygotes.

Submission:

Ambry Genetics
Classification: Uncertain significance for Inborn genetic diseases. Last evaluated: 2025-03-15. Review status: criteria provided, single submitter. Criteria: Ambry Variant Classification Scheme 2023. Collection method: clinical testing. Allele origin: germline.
Comment: The p.S303G variant (also known as c.907A>G), located in coding exon 11 of the FANCA gene, results from an A to G substitution at nucleotide position 907. The serine at codon 303 is replaced by glycine, an amino acid with similar properties. This amino acid position is conserved. In addition, this alteration is predicted to be tolerated by in silico analysis. Based on the available evidence, the clinical significance of this variant remains unclear.

NM_000135.4(FANCA):c.907A>G (p.Ser303Gly)

Gene: FANCA (FA complementation group A; minus strand). Cytogenetic location: 16q24.3.
Variant type: single nucleotide variant.
Coding change: c.907A>G on transcript NM_000135.4 (MANE Select); coding-DNA position 907, A replaced by G.
Protein change: p.Ser303Gly; replaces serine 303 with glycine.
Molecular consequence: missense variant.
Genome position (GRCh38, 1-based): chr16:89,796,005, T>C on the plus strand (A>G on the coding strand, the complement: FANCA is on the minus strand). VCF-style: chr16-89796005-T-C. GRCh37 (hg19) VCF-style: chr16-89862413-T-C.
Other names: c.907A>G, p.Ser303Gly (NM_001286167.3); short protein forms S303G.
Identifiers: ClinVar variation 4022083 (VCV004022083.1).
Genomic context (GRCh38, chr16:89,796,005, plus strand): 5'-TATGACTGAAGAACCTCTTCAGAGGATCTGTGGAAATTACACTGCCAAGCGTGTGTCCAC[T>C]GAACACTCCGAACCTGCCAATGCAGCAGAAAGAGGGGTCAGGAAAGGGAGGGTGCCTTGC-3'
Protein context (NP_000126.2, residues 293-313): KIVRCWFGVF[Ser303Gly]GHTLGSVIST